The following is an entry in ClinVar:

ClinVar aggregate classification (germline): Uncertain significance (1 of 4 stars; one submission).

Submission:

Labcorp Genetics (formerly Invitae), Labcorp
Classification: Uncertain significance. Last evaluated: 2023-12-20. Review status: criteria provided, single submitter. Criteria: Invitae Variant Classification Sherloc (09022015). Collection method: clinical testing. Allele origin: germline.
Comment: This sequence change replaces aspartic acid, which is acidic and polar, with glutamic acid, which is acidic and polar, at codon 182 of the CEACAM16 protein (p.Asp182Glu). The frequency data for this variant in the population databases is considered unreliable, as metrics indicate poor data quality at this position in the gnomAD database. This variant has not been reported in the literature in individuals affected with CEACAM16-related conditions. Advanced modeling of protein sequence and biophysical properties (such as structural, functional, and spatial information, amino acid conservation, physicochemical variation, residue mobility, and thermodynamic stability) performed at Invitae indicates that this missense variant is not expected to disrupt CEACAM16 protein function with a negative predictive value of 80%. In summary, the available evidence is currently insufficient to determine the role of this variant in disease. Therefore, it has been classified as a Variant of Uncertain Significance.

NM_001039213.4(CEACAM16):c.546C>A (p.Asp182Glu)

Genes: CEACAM16 (CEA cell adhesion molecule 16, tectorial membrane component; plus strand), CEACAM16-AS1 (CEACAM16, CEACAM19 and PVR antisense RNA 1; minus strand). Cytogenetic location: 19q13.32.
Variant type: single nucleotide variant.
Coding change: c.546C>A on transcript NM_001039213.4 (MANE Select); coding-DNA position 546, C replaced by A.
Protein change: p.Asp182Glu; replaces aspartic acid 182 with glutamic acid.
Molecular consequence: missense variant.
Genome position (GRCh38, 1-based): chr19:44,704,181, C>A. VCF-style: chr19-44704181-C-A. GRCh37 (hg19) VCF-style: chr19-45207451-C-A.
Other names: short protein forms D182E.
Identifiers: ClinVar variation 2957483 (VCV002957483.3), dbSNP rs747829770, ClinGen allele CA406288552.